The following is an entry in ClinVar:

ClinVar aggregate classification (germline): Uncertain significance (1 of 4 stars; one submission).

Conditions:
Charcot-Marie-Tooth disease dominant intermediate B (CMTDIB). Also called: Charcot-Marie-Tooth disease dominant intermediate 1; CMT DI1; Charcot-Marie-Tooth disease dominant intermediate I; CHARCOT-MARIE-TOOTH NEUROPATHY, DOMINANT INTERMEDIATE B. Identifiers: Orphanet 100044, Orphanet 228179, MedGen C1847902, MONDO:0011674, OMIM 606482.

Submission:

Labcorp Genetics (formerly Invitae), Labcorp
Classification: Uncertain significance for Charcot-Marie-Tooth disease dominant intermediate B. Last evaluated: 2024-09-09. Review status: criteria provided, single submitter. Criteria: Invitae Variant Classification Sherloc (09022015). Collection method: clinical testing. Allele origin: germline.
Comment: This sequence change creates a premature translational stop signal (p.Arg451Glyfs*28) in the DNM2 gene. It is expected to result in an absent or disrupted protein product. However, the current clinical and genetic evidence is not sufficient to establish whether loss-of-function variants in DNM2 cause disease. This variant is not present in population databases (gnomAD no frequency). This variant has not been reported in the literature in individuals affected with DNM2-related conditions. Experimental studies and prediction algorithms are not available or were not evaluated, and the functional significance of this variant is currently unknown. In summary, the available evidence is currently insufficient to determine the role of this variant in disease. Therefore, it has been classified as a Variant of Uncertain Significance.

NM_001005361.3(DNM2):c.1351del (p.Arg451fs)

Gene: DNM2 (dynamin 2; plus strand). Cytogenetic location: 19p13.2.
Variant type: Deletion.
Coding change: c.1351del on transcript NM_001005361.3 (MANE Select); coding-DNA position 1351, one base deleted (C; older notation c.1351delC).
Protein change: p.Arg451fs; shifts the reading frame from arginine 451.
Molecular consequence: frameshift variant.
Genome position (GRCh38, 1-based): chr19:10,798,501, C deleted; the last of 5 consecutive C bases (chr19:10,798,497-10,798,501); deleting any one gives the same sequence. VCF-style (leftmost placement, unchanged base first): chr19-10798496-AC-A. GRCh37 (hg19) VCF-style: chr19-10909172-AC-A.
Other names: c.1351del, p.Arg451fs (NM_001005360.3, NM_001005362.3, NM_001190716.2 and 1 more transcripts); short protein forms R451fs.
Identifiers: ClinVar variation 3661155 (VCV003661155.2).